The following is an entry in ClinVar:

NM_001371904.1(APOA5):c.176G>T (p.Ser59Ile)

Genes: APOA5 (apolipoprotein A5; minus strand), LOC108491825 (enhancer-blocking element 11-1-2 overlapping APOA5; plus strand). Cytogenetic location: 11q23.3.
Variant type: single nucleotide variant.
Coding change: c.176G>T on transcript NM_001371904.1 (MANE Select); coding-DNA position 176, G replaced by T.
Protein change: p.Ser59Ile; replaces serine 59 with isoleucine.
Molecular consequence: missense variant.
Genome position (GRCh38, 1-based): chr11:116,791,053, C>A on the plus strand (G>T on the coding strand, the complement: APOA5 is on the minus strand). VCF-style: chr11-116791053-C-A. GRCh37 (hg19) VCF-style: chr11-116661769-C-A.
Other names: c.176G>T, p.Ser59Ile (NM_001166598.2, NM_052968.5); short protein forms S59I.
Identifiers: ClinVar variation 3369465 (VCV003369465.1).

ClinVar aggregate classification (germline): Uncertain significance (1 of 4 stars; one submission).

gnomAD v4.1: 2 of 1,611,282 alleles (0.00012%); highest among the groups gnomAD compares: Admixed American, 0.0017%; no homozygotes.

Submission:

GeneDx
Classification: Uncertain significance. Last evaluated: 2024-02-26. Review status: criteria provided, single submitter. Criteria: GeneDx Variant Classification Process June 2021. Collection method: clinical testing. Allele origin: germline. Affected: yes.
Comment: Has not been previously published as pathogenic or benign to our knowledge; Not observed at significant frequency in large population cohorts (gnomAD); In silico analysis supports that this missense variant does not alter protein structure/function